The following is an entry in ClinVar:

ClinVar aggregate classification (germline): Likely benign (1 of 4 stars; one submission).

Submission:

CeGaT Center for Human Genetics Tuebingen
Classification: Likely benign. Last evaluated: 2022-03-01. Review status: criteria provided, single submitter. Criteria: CeGaT Center For Human Genetics Tuebingen Variant Classification Criteria Version 2. Collection method: clinical testing. Allele origin: germline. Affected: yes. Observed: 1 variant allele.
Comment: ALPK3: PM2:Supporting, BP4, BP7

NC_000015.10:g.84817182G>A

Gene: ALPK3 (alpha kinase 3; plus strand). Cytogenetic location: 15q25.3.
Variant type: single nucleotide variant.
Genome position: GRCh38 VCF-style: chr15-84817182-G-A. GRCh37 (hg19) VCF-style: chr15-85360413-G-A.
Identifiers: ClinVar variation 2645650 (VCV002645650.22), dbSNP rs2505688489, ClinGen allele CA492276796.